The following is an entry in ClinVar:

ClinVar aggregate classification (germline): Pathogenic (1 of 4 stars; one submission).

Conditions:
Blepharophimosis, ptosis, and epicanthus inversus syndrome. Identifiers: Orphanet 126, MedGen C0220663, MONDO:0007201, OMIM 110100.

Submission:

Genomic Diagnostic Laboratory, Division of Genomic Diagnostics, Children's Hospital of Philadelphia
Classification: Pathogenic for Blepharophimosis, ptosis, and epicanthus inversus syndrome. Last evaluated: 2016-11-03. Review status: criteria provided, single submitter. Criteria: DGD Variant Analysis Guidelines. Collection method: clinical testing. Allele origin: germline. Affected: yes. Observed: 1 variant allele.
Comment: Clinical Testing

NM_023067.4(FOXL2):c.678_705del (p.Ala227fs)

Gene: FOXL2 (forkhead box L2; minus strand). Cytogenetic location: 3q22.3.
Variant type: Deletion.
Coding change: c.678_705del on transcript NM_023067.4 (MANE Select); coding-DNA positions 678 to 705, 28 bases deleted (TGCAGCAGCTGCGGCTGCAGCCGCGGGC).
Protein change: p.Ala227fs; shifts the reading frame from alanine 227.
Molecular consequence: frameshift variant.
Genome position (GRCh38, 1-based): chr3:138,946,018-138,946,045, GCCCGCGGCTGCAGCCGCAGCTGCTGCA deleted on the plus strand (TGCAGCAGCTGCGGCTGCAGCCGCGGGC on the coding strand, the reverse complement: FOXL2 is on the minus strand); deleting any 28 consecutive bases within chr3:138,946,018-138,946,048 gives the same sequence; the c. name uses the placement nearest the transcript's 3' end. VCF-style (leftmost placement, unchanged base first): chr3-138946017-GGCCCGCGGCTGCAGCCGCAGCTGCTGCA-G. GRCh37 (hg19) VCF-style: chr3-138664859-GGCCCGCGGCTGCAGCCGCAGCTGCTGCA-G.
Other names: short protein forms A227fs.
Identifiers: ClinVar variation 369926 (VCV000369926.1), dbSNP rs1057516174, ClinGen allele CA10654868.
Genomic context (GRCh38, chr3:138,946,017, plus strand): 5'-CGTACGAGGCGGCCGGGCCCGCCAGCCCCTTGACCACAGCGGCCGCGCCAGGGCTACCGG[GGCCCGCGGCTGCAGCCGCAGCTGCTGCA>G]GCCGCTGCGGCTGCCGCCATCTGGCAGGAGGCATAGGGCATGGGTGAGGGAGGCTGCGGT-3'